The following is an entry in ClinVar:

ClinVar aggregate classification (germline): Pathogenic (1 of 4 stars; one submission).

Conditions:
Neuronal ceroid lipofuscinosis 7 (CLN7). Also called: MFSD8-Related Neuronal Ceroid-Lipofuscinosis. Identifiers: Orphanet 168491, Orphanet 228366, MedGen C1838571, MONDO:0012588, OMIM 610951.

gnomAD v4.1: 3 of 1,606,196 alleles (0.00019%); highest among the groups gnomAD compares: Admixed American, 0.0033%; no homozygotes.

Submission:

Labcorp Genetics (formerly Invitae), Labcorp
Classification: Pathogenic for Neuronal ceroid lipofuscinosis 7. Last evaluated: 2023-01-10. Review status: criteria provided, single submitter. Criteria: Invitae Variant Classification Sherloc (09022015). Collection method: clinical testing. Allele origin: germline.
Comment: For these reasons, this variant has been classified as Pathogenic. Algorithms developed to predict the effect of sequence changes on RNA splicing suggest that this variant may disrupt the consensus splice site. Disruption of this splice site has been observed in individual(s) with clinical features of neuronal ceroid lipofuscinosis (PMID: 19177532; Invitae). In at least one individual the data is consistent with being in trans (on the opposite chromosome) from a pathogenic variant. This variant is present in population databases (no rsID available, gnomAD 0.007%). This sequence change affects a donor splice site in intron 9 of the MFSD8 gene. It is expected to disrupt RNA splicing. Variants that disrupt the donor or acceptor splice site typically lead to a loss of protein function (PMID: 16199547), and loss-of-function variants in MFSD8 are known to be pathogenic (PMID: 19177532, 25227500, 28586915).

Literature cited by the submitters: PubMed 19177532; PubMed 16199547; PubMed 25227500; PubMed 28586915.

NM_001371596.2(MFSD8):c.863+1G>C

Gene: MFSD8 (major facilitator superfamily domain containing 8; minus strand). Cytogenetic location: 4q28.2.
Variant type: single nucleotide variant.
Coding change: c.863+1G>C on transcript NM_001371596.2 (MANE Select); the canonical splice donor site of the intron after coding-DNA position 863, G replaced by C.
Molecular consequence: splice donor variant.
Genome position (GRCh38, 1-based): chr4:127,932,984, C>G on the plus strand (G>C on the coding strand, the complement: MFSD8 is on the minus strand). VCF-style: chr4-127932984-C-G. GRCh37 (hg19) VCF-style: chr4-128854139-C-G.
Other names: c.581+1G>C (NM_001371595.1); c.413+1G>C (NM_001410765.1); c.728+1G>C (NM_001371590.2); c.863+1G>C (NM_152778.4, NM_001371591.2); c.548+1G>C (NM_001363521.3); c.749+1G>C (NM_001410766.1, NM_001371593.2); c.662+1G>C (NM_001363520.3); c.716+1G>C (NM_001371594.2); and 1 more.
Identifiers: ClinVar variation 2734672 (VCV002734672.3), dbSNP rs200319160, ClinGen allele CA358174581.
Genomic context (GRCh38, chr4:127,932,984, plus strand): 5'-TGCATTAAGAAATAAAGGTTAAAACATAATCTGATTCAGATGAAGATGGAATAAAACTTA[C>G]GTTTCAAAAAGGGCAAAGATAAATAGAGTCACAAAAAACAGAACATTGATGGCCACAACA-3'